The following is an entry in ClinVar:

NM_000243.3(MEFV):c.726C>G (p.Ser242Arg)

Gene: MEFV (MEFV innate immunity regulator, pyrin; minus strand). Cytogenetic location: 16p13.3.
Variant type: single nucleotide variant.
Coding change: c.726C>G on transcript NM_000243.3 (MANE Select); coding-DNA position 726, C replaced by G.
Protein change: p.Ser242Arg; replaces serine 242 with arginine.
Molecular consequence: missense variant. On other transcripts: intron variant (1).
Genome position (GRCh38, 1-based): chr16:3,254,342, G>C on the plus strand (C>G on the coding strand, the complement: MEFV is on the minus strand). VCF-style: chr16-3254342-G-C. GRCh37 (hg19) VCF-style: chr16-3304342-G-C.
Other names: MEFV, SER242ARG (rs104895127); c.277+1969C>G (NM_001198536.2); short protein forms S242R.
Identifiers: ClinVar variation 97541 (VCV000097541.49), dbSNP rs104895127, ClinGen allele CA280650.

ClinVar aggregate classification (germline): Conflicting classifications of pathogenicity. Review status: criteria provided, conflicting classifications (1 of 4 stars). 7 submissions from 6 submitters: Likely pathogenic (1); Uncertain significance (3). 3 of the submissions do not count toward it. Last evaluated 2024-01-23.

Conditions:
Familial Mediterranean fever (FMF). Also called: POLYSEROSITIS, FAMILIAL PAROXYSMAL; POLYSEROSITIS, RECURRENT; Periodic peritonitis; Benign paroxysmal peritonitis. Identifiers: Orphanet 342, MedGen C0031069, MONDO:0018088, OMIM 249100. Disease mechanism: gain of function.
Familial Mediterranean fever, autosomal dominant. Also called: FMF, AUTOSOMAL DOMINANT; Dominant Familial Mediterranean Fever. Identifiers: Orphanet 342, MedGen C1851347, MONDO:0007601, OMIM 134610.
Acute febrile neutrophilic dermatosis (AFND). Also called: Sweet Syndrome; Gomm Button disease. Identifiers: Orphanet 3243, MedGen C0085077, MONDO:0011959, OMIM 608068.

Allele frequency attached by ClinVar (database versions not stated): 1000 Genomes Project 0.00020; 1000 Genomes Project 30x 0.00031.
gnomAD v4.1: 2 of 1,614,234 alleles (0.00012%); highest among the groups gnomAD compares: Admixed American, 0.0017%; no homozygotes.

Submissions (7):

Fulgent Genetics
Classification: Uncertain significance for Familial Mediterranean fever, autosomal dominant; Familial Mediterranean fever; Acute febrile neutrophilic dermatosis. Last evaluated: 2024-01-23. Review status: criteria provided, single submitter. Criteria: ACMG Guidelines, 2015. Collection method: clinical testing. Allele origin: germline.

Labcorp Genetics (formerly Invitae), Labcorp
Classification: Uncertain significance for Familial Mediterranean fever. Last evaluated: 2022-07-21. Review status: criteria provided, single submitter. Criteria: Invitae Variant Classification Sherloc (09022015). Collection method: clinical testing. Allele origin: germline.
Comment: In summary, the available evidence is currently insufficient to determine the role of this variant in disease. Therefore, it has been classified as a Variant of Uncertain Significance. Experimental studies have shown that this missense change affects MEFV function (PMID: 27030597, 31589380, 33733382). Algorithms developed to predict the effect of missense changes on protein structure and function are either unavailable or do not agree on the potential impact of this missense change (SIFT: "Deleterious"; PolyPhen-2: "Possibly Damaging"; Align-GVGD: "Class C0"). ClinVar contains an entry for this variant (Variation ID: 97541). This missense change has been observed in individual(s) with pyrin-associated autoinflammation with neutrophilic dermatosis (PMID: 27030597, 31998953). This variant is present in population databases (rs104895127, gnomAD 0.003%). This sequence change replaces serine, which is neutral and polar, with arginine, which is basic and polar, at codon 242 of the MEFV protein (p.Ser242Arg).

CeGaT Center for Human Genetics Tuebingen
Classification: Likely pathogenic. Last evaluated: 2020-03-01. Review status: criteria provided, single submitter. Criteria: CeGaT Center For Human Genetics Tuebingen Variant Classification Criteria Version 2. Collection method: clinical testing. Allele origin: germline. Affected: yes. Observed: 1 variant allele.

Mendelics
Classification: Uncertain significance for Familial Mediterranean fever. Last evaluated: 2019-05-28. Review status: criteria provided, single submitter. Criteria: Mendelics Assertion Criteria 2017. Collection method: clinical testing. Allele origin: unknown.

OMIM
Classification: Pathogenic for NEUTROPHILIC DERMATOSIS, ACUTE FEBRILE. Last evaluated: 2026-06-26. Review status: no assertion criteria provided. Collection method: literature only. Allele origin: germline. Not counted in ClinVar's aggregate classification.

OMIM
Classification: Pathogenic for FAMILIAL MEDITERRANEAN FEVER. Last evaluated: 2026-06-26. Review status: no assertion criteria provided. Collection method: literature only. Allele origin: germline. Not counted in ClinVar's aggregate classification.

Unité médicale des maladies autoinflammatoires, CHRU Montpellier
No classification provided. Condition: Familial Mediterranean fever. Review status: no classification provided. Collection method: not provided. Allele origin: unknown. Not counted in ClinVar's aggregate classification.

Literature cited by the submitters: PubMed 27030597 (cited by Labcorp Genetics (formerly Invitae), Labcorp and OMIM); PubMed 31589380 (cited by Labcorp Genetics (formerly Invitae), Labcorp); PubMed 33733382 (cited by Labcorp Genetics (formerly Invitae), Labcorp); PubMed 31998953 (cited by Labcorp Genetics (formerly Invitae), Labcorp and OMIM).